The following is an entry in ClinVar:

ClinVar aggregate classification (germline): Likely benign. Review status: criteria provided, single submitter (1 of 4 stars). 2 submissions from 2 submitters: Likely benign (1). 1 of the submissions does not count toward it. Last evaluated 2025-11-10.

Conditions:
Pheochromocytoma/paraganglioma syndrome 5. Also called: Paragangliomas 5; SDHA-Related Hereditary Paraganglioma-Pheochromocytoma Syndrome. Identifiers: Orphanet 29072, MedGen C3279992, MONDO:0013602, OMIM 614165.
Mitochondrial complex II deficiency, nuclear type 1. Also called: SUCCINATE CoQ REDUCTASE DEFICIENCY. Identifiers: Orphanet 3208, MedGen C5700310, MONDO:0100294, OMIM 252011.
SDHA-related disorder. Also called: SDHA-related disorders; SDHA-related condition.

Allele frequency attached by ClinVar (database versions not stated): gnomAD 0.00001; TOPMed 0.00001.
gnomAD v4.1: 1 of 1,613,794 alleles (0.000062%); no homozygotes.

Submissions (2):

Labcorp Genetics (formerly Invitae), Labcorp
Classification: Likely benign for Pheochromocytoma/paraganglioma syndrome 5; Mitochondrial complex II deficiency, nuclear type 1. Last evaluated: 2025-11-10. Review status: criteria provided, single submitter. Criteria: Invitae Variant Classification Sherloc (09022015). Collection method: clinical testing. Allele origin: germline.

PreventionGenetics, part of Exact Sciences
Classification: Likely benign for SDHA-related condition. Last evaluated: 2021-12-02. Review status: no assertion criteria provided. Collection method: clinical testing. Allele origin: germline. Not counted in ClinVar's aggregate classification.
Comment: This variant is classified as likely benign based on ACMG/AMP sequence variant interpretation guidelines (Richards et al. 2015 PMID: 25741868, with internal and published modifications).

NM_004168.4(SDHA):c.895+8A>G

Gene: SDHA (succinate dehydrogenase complex flavoprotein subunit A; plus strand). Cytogenetic location: 5p15.33.
Variant type: single nucleotide variant.
Coding change: c.895+8A>G on transcript NM_004168.4 (MANE Select); 8 bases into the intron after coding-DNA position 895, A replaced by G.
Molecular consequence: intron variant.
Genome position (GRCh38, 1-based): chr5:231,008, A>G. VCF-style: chr5-231008-A-G. GRCh37 (hg19) VCF-style: chr5-231123-A-G.
Other names: c.895+8A>G (NM_001330758.2); c.751+8A>G (NM_001294332.2).
Identifiers: ClinVar variation 701353 (VCV000701353.13), dbSNP rs892273080, ClinGen allele CA112822593.
Genomic context (GRCh38, chr5:231,008, plus strand): 5'-CAGGGCAGGCCTTCCTTGCCAGGACCTAGAGTTTGTTCAGTTCCACCCTACAGGTAGGGC[A>G]GGACGCCTTGCCCGGCAGGTGTTTGGCTTGTGTGTGTCTTGTAAGCATGTGATGCCTACT-3'